The following is an entry in ClinVar:

NM_177438.3(DICER1):c.1517G>C (p.Arg506Thr)

Gene: DICER1 (dicer 1, ribonuclease III; minus strand). Cytogenetic location: 14q32.13.
Variant type: single nucleotide variant.
Coding change: c.1517G>C on transcript NM_177438.3 (MANE Select); coding-DNA position 1517, G replaced by C.
Protein change: p.Arg506Thr; replaces arginine 506 with threonine.
Molecular consequence: missense variant. On other transcripts: non-coding transcript variant (6), intron variant (1).
Genome position (GRCh38, 1-based): chr14:95,116,688, C>G on the plus strand (G>C on the coding strand, the complement: DICER1 is on the minus strand). VCF-style: chr14-95116688-C-G. GRCh37 (hg19) VCF-style: chr14-95583025-C-G.
Other names: c.1517G>C, p.Arg506Thr (NM_001195573.1, NM_001271282.3, NM_001291628.2 and 12 more transcripts); c.1235G>C, p.Arg412Thr (NM_001395686.1); c.1112G>C, p.Arg371Thr (NM_001395687.1, NM_001395688.1, NM_001395689.1 and 3 more transcripts); c.950G>C, p.Arg317Thr (NM_001395691.1); c.-59-108G>C (NM_001395697.1); short protein forms R317T, R371T, R412T, R506T.
Identifiers: ClinVar variation 3256286 (VCV003256286.3).
Genomic context (GRCh38, chr14:95,116,688, plus strand): 5'-ACACCCTCTTCTACAATACTTGTTGCAATAAGCAGGTTGGTCTCATGTGCTCGAAATTTC[C>G]TAAGTACCTGAAAAAAAAAATCCACCAAGAAAAGCACTTCTAAGAAAATTTCTAAAATGA-3'
Protein context (NP_803187.1, residues 496-516): AEFRKQEEVL[Arg506Thr]KFRAHETNLL

ClinVar aggregate classification (germline): Uncertain significance. Review status: criteria provided, multiple submitters, no conflicts (2 of 4 stars). 2 submissions from 2 submitters: Uncertain significance (2). Last evaluated 2025-03-04.

Conditions:
Hereditary cancer-predisposing syndrome. Also called: Hereditary Cancer Syndrome; Tumor predisposition; Hereditary neoplastic syndrome; Neoplastic Syndromes, Hereditary. Identifiers: Orphanet 140162, MedGen C0027672, MeSH D009386, MONDO:0015356.

Submissions (2):

Center for Genomic Medicine, Rigshospitalet, Copenhagen University Hospital
Classification: Uncertain significance. Last evaluated: 2025-03-04. Review status: criteria provided, single submitter. Criteria: ACMG Guidelines, 2015. Collection method: clinical testing. Allele origin: germline.

Ambry Genetics
Classification: Uncertain significance for Hereditary cancer-predisposing syndrome. Last evaluated: 2024-10-17. Review status: criteria provided, single submitter. Criteria: Ambry Variant Classification Scheme 2023. Collection method: clinical testing. Allele origin: germline.
Comment: The p.R506T variant (also known as c.1517G>C), located in coding exon 9 of the DICER1 gene, results from a G to C substitution at nucleotide position 1517. The arginine at codon 506 is replaced by threonine, an amino acid with similar properties. This amino acid position is conserved. In addition, the in silico prediction for this alteration is inconclusive. Based on the available evidence, the clinical significance of this variant remains unclear.